The following is an entry in ClinVar:

ClinVar aggregate classification (germline): Uncertain significance. Review status: criteria provided, multiple submitters, no conflicts (2 of 4 stars). 2 submissions from 2 submitters: Uncertain significance (2). Last evaluated 2024-04-09.

Conditions:
Inborn genetic diseases. Identifiers: MedGen C0950123, MeSH D030342.

Allele frequency attached by ClinVar (database versions not stated): ExAC 0.00001; gnomAD exomes 0.00002; gnomAD 0.00003 and 0.00004; TOPMed 0.00003.
gnomAD v4.1: 98 of 1,613,812 alleles (0.0061%); highest among the groups gnomAD compares: Non-Finnish European, 0.008%; no homozygotes.

Submissions (2):

Ambry Genetics
Classification: Uncertain significance for Inborn genetic diseases. Last evaluated: 2024-04-09. Review status: criteria provided, single submitter. Criteria: Ambry Variant Classification Scheme 2023. Collection method: clinical testing. Allele origin: germline.

Labcorp Genetics (formerly Invitae), Labcorp
Classification: Uncertain significance. Last evaluated: 2022-08-16. Review status: criteria provided, single submitter. Criteria: Invitae Variant Classification Sherloc (09022015). Collection method: clinical testing. Allele origin: germline.
Comment: This sequence change replaces glutamic acid, which is acidic and polar, with lysine, which is basic and polar, at codon 292 of the PCLO protein (p.Glu292Lys). This variant is present in population databases (rs752727628, gnomAD 0.005%). This variant has not been reported in the literature in individuals affected with PCLO-related conditions. ClinVar contains an entry for this variant (Variation ID: 1462713). Algorithms developed to predict the effect of missense changes on protein structure and function are either unavailable or do not agree on the potential impact of this missense change (SIFT: "Tolerated"; PolyPhen-2: "Not Available"; Align-GVGD: "Class C0"). In summary, the available evidence is currently insufficient to determine the role of this variant in disease. Therefore, it has been classified as a Variant of Uncertain Significance.

NM_033026.6(PCLO):c.874G>A (p.Glu292Lys)

Gene: PCLO (piccolo presynaptic cytomatrix protein; minus strand). Cytogenetic location: 7q21.11.
Variant type: single nucleotide variant.
Coding change: c.874G>A on transcript NM_033026.6 (MANE Select); coding-DNA position 874, G replaced by A.
Protein change: p.Glu292Lys; replaces glutamic acid 292 with lysine.
Molecular consequence: missense variant.
Genome position (GRCh38, 1-based): chr7:83,155,767, C>T on the plus strand (G>A on the coding strand, the complement: PCLO is on the minus strand). VCF-style: chr7-83155767-C-T. GRCh37 (hg19) VCF-style: chr7-82785083-C-T.
Other names: c.874G>A, p.Glu292Lys (NM_014510.3); c.874G>A (NM_033026.5); short protein forms E292K.
Identifiers: ClinVar variation 1462713 (VCV001462713.6), dbSNP rs752727628, ClinGen allele CA4321584.